The following is an entry in ClinVar:

NM_000829.4(GRIA4):c.661del (p.Ile221fs)

Gene: GRIA4 (glutamate ionotropic receptor AMPA type subunit 4; plus strand). Cytogenetic location: 11q22.3.
Variant type: Deletion.
Coding change: c.661del on transcript NM_000829.4 (MANE Select); coding-DNA position 661, one base deleted (A; older notation c.661delA).
Protein change: p.Ile221fs; shifts the reading frame from isoleucine 221.
Molecular consequence: frameshift variant. On other transcripts: non-coding transcript variant (1).
Genome position (GRCh38, 1-based): chr11:105,862,197, A deleted. VCF-style (leftmost placement, unchanged base first): chr11-105862196-CA-C. GRCh37 (hg19) VCF-style: chr11-105732922-CA-C.
Other names: c.661del, p.Ile221fs (NM_001077243.3, NM_001077244.2, NM_001112812.2); short protein forms I221fs.
Identifiers: ClinVar variation 3361569 (VCV003361569.1).

ClinVar aggregate classification (germline): Uncertain significance (1 of 4 stars; one submission).

Submission:

GeneDx
Classification: Uncertain significance. Last evaluated: 2023-07-31. Review status: criteria provided, single submitter. Criteria: GeneDx Variant Classification Process June 2021. Collection method: clinical testing. Allele origin: germline. Affected: yes.
Comment: Not observed at significant frequency in large population cohorts (gnomAD); Frameshift variant predicted to result in protein truncation or nonsense mediated decay in a gene or region of a gene for which loss of function is not a well-established mechanism of disease; Has not been previously published as pathogenic or benign to our knowledge